The following is an entry in ClinVar:

ClinVar aggregate classification (germline): Uncertain significance (1 of 4 stars; one submission).

Conditions:
Gorlin syndrome. Also called: Nevoid Basal Cell Carcinoma Syndrome; Basal cell nevus syndrome. Identifiers: Orphanet 377, MedGen C0004779, MONDO:0007187.

Submission:

Labcorp Genetics (formerly Invitae), Labcorp
Classification: Uncertain significance for Gorlin syndrome. Last evaluated: 2025-12-01. Review status: criteria provided, single submitter. Criteria: Invitae Variant Classification Sherloc (09022015). Collection method: clinical testing. Allele origin: germline.
Comment: This variant, c.1193_1194insAGT, results in the insertion of 1 amino acid(s) of the PTCH2 protein (p.Val399dup), but otherwise preserves the integrity of the reading frame. This variant is not present in population databases (gnomAD no frequency). This variant has not been reported in the literature in individuals affected with PTCH2-related conditions. In summary, the available evidence is currently insufficient to determine the role of this variant in disease. Therefore, it has been classified as a Variant of Uncertain Significance.

NM_003738.5(PTCH2):c.1193_1194insAGT (p.Val399_Gly400insVal)

Gene: PTCH2 (patched 2; minus strand). Cytogenetic location: 1p34.1.
Variant type: Insertion.
Coding change: c.1193_1194insAGT on transcript NM_003738.5 (MANE Select); coding-DNA positions 1193 to 1194, AGT inserted.
Protein change: p.Val399_Gly400insVal.
Molecular consequence: inframe insertion.
Genome position: GRCh38 VCF-style: chr1-44829423-C-CACT. GRCh37 (hg19) VCF-style: chr1-45295095-C-CACT.
Other names: c.1193_1194insAGT, p.Val399_Gly400insVal (NM_001166292.2).
Identifiers: ClinVar variation 4732258 (VCV004732258.1).